The following is an entry in ClinVar:

ClinVar aggregate classification (germline): Uncertain significance. Review status: criteria provided, multiple submitters, no conflicts (2 of 4 stars). 2 submissions from 2 submitters: Uncertain significance (2). Last evaluated 2024-04-08.

Conditions:
Inborn genetic diseases. Identifiers: MedGen C0950123, MeSH D030342.

Submissions (2):

Ambry Genetics
Classification: Uncertain significance for Inborn genetic diseases. Last evaluated: 2024-04-08. Review status: criteria provided, single submitter. Criteria: Ambry Variant Classification Scheme 2023. Collection method: clinical testing. Allele origin: germline.
Comment: The p.I695M variant (also known as c.2085C>G), located in coding exon 13 of the CDH2 gene, results from a C to G substitution at nucleotide position 2085. The isoleucine at codon 695 is replaced by methionine, an amino acid with highly similar properties. This amino acid position is conserved. In addition, this alteration is predicted to be tolerated by in silico analysis. Based on the available evidence, the clinical significance of this variant remains unclear.

Labcorp Genetics (formerly Invitae), Labcorp
Classification: Uncertain significance. Last evaluated: 2022-07-08. Review status: criteria provided, single submitter. Criteria: Invitae Variant Classification Sherloc (09022015). Collection method: clinical testing. Allele origin: germline.
Comment: This variant has not been reported in the literature in individuals affected with CDH2-related conditions. This variant is not present in population databases (gnomAD no frequency). This sequence change replaces isoleucine, which is neutral and non-polar, with methionine, which is neutral and non-polar, at codon 695 of the CDH2 protein (p.Ile695Met). Algorithms developed to predict the effect of missense changes on protein structure and function are either unavailable or do not agree on the potential impact of this missense change (SIFT: "Deleterious"; PolyPhen-2: "Benign"; Align-GVGD: "Class C0"). In summary, the available evidence is currently insufficient to determine the role of this variant in disease. Therefore, it has been classified as a Variant of Uncertain Significance.

NM_001792.5(CDH2):c.2085C>G (p.Ile695Met)

Gene: CDH2 (cadherin 2; minus strand). Cytogenetic location: 18q12.1.
Variant type: single nucleotide variant.
Coding change: c.2085C>G on transcript NM_001792.5 (MANE Select); coding-DNA position 2085, C replaced by G.
Protein change: p.Ile695Met; replaces isoleucine 695 with methionine.
Molecular consequence: missense variant.
Genome position (GRCh38, 1-based): chr18:27,985,124, G>C on the plus strand (C>G on the coding strand, the complement: CDH2 is on the minus strand). VCF-style: chr18-27985124-G-C. GRCh37 (hg19) VCF-style: chr18-25565088-G-C.
Other names: c.2085C>G (NM_001792.3); c.1992C>G, p.Ile664Met (NM_001308176.2); short protein forms I664M, I695M.
Identifiers: ClinVar variation 2000997 (VCV002000997.5), dbSNP rs17853638, ClinGen allele CA402106901.
Genomic context (GRCh38, chr18:27,985,124, plus strand): 5'-AATCCTGTCCACATCTGTGCAGTCCCCGTTGGAGTCACACTGGCAAACCTTCACACGCAG[G>C]ATGGAAATATTTGATTTGGGAGGATTACCCGAATCTGTGATTATGATGGGAACTTCATAG-3'
Protein context (NP_001783.2, residues 685-705): SGNPPKSNIS[Ile695Met]LRVKVCQCDS